The following is an entry in ClinVar:

ClinVar aggregate classification (germline): Pathogenic (1 of 4 stars; one submission).

Conditions:
Joubert syndrome. Also called: CEREBELLOPARENCHYMAL DISORDER IV; JOUBERT-BOLTSHAUSER SYNDROME; Familial aplasia of the vermis. Identifiers: Orphanet 475, MedGen C5979921, MONDO:0018772.
Meckel-Gruber syndrome. Also called: DYSENCEPHALIA SPLANCHNOCYSTICA; GRUBER SYNDROME; Dysencephalia splachnocystica. Identifiers: Orphanet 564, MedGen C0265215, MONDO:0018921.

Submission:

Labcorp Genetics (formerly Invitae), Labcorp
Classification: Pathogenic for Joubert syndrome; Meckel-Gruber syndrome. Last evaluated: 2024-02-01. Review status: criteria provided, single submitter. Criteria: Invitae Variant Classification Sherloc (09022015). Collection method: clinical testing. Allele origin: germline.
Comment: This sequence change creates a premature translational stop signal (p.Leu779Profs*13) in the RPGRIP1L gene. It is expected to result in an absent or disrupted protein product. Loss-of-function variants in RPGRIP1L are known to be pathogenic (PMID: 17558409). This variant is not present in population databases (gnomAD no frequency). This variant has not been reported in the literature in individuals affected with RPGRIP1L-related conditions. For these reasons, this variant has been classified as Pathogenic.

Literature cited by the submitters: PubMed 17558409.

NM_015272.5(RPGRIP1L):c.2335dup (p.Leu779fs)

Gene: RPGRIP1L (RPGRIP1 like; minus strand). Cytogenetic location: 16q12.2.
Variant type: Duplication.
Coding change: c.2335dup on transcript NM_015272.5 (MANE Select); coding-DNA position 2335, one base duplicated (C; older notation c.2335dupC).
Protein change: p.Leu779fs; shifts the reading frame from leucine 779.
Molecular consequence: frameshift variant.
Genome position (GRCh38, 1-based): chr16:53,645,973, G duplicated on the plus strand (C on the coding strand, the reverse complement: RPGRIP1L is on the minus strand). VCF-style (leftmost placement, unchanged base first): chr16-53645972-A-AG. GRCh37 (hg19) VCF-style: chr16-53679884-A-AG.
Other names: c.2335dup, p.Leu779fs (NM_001127897.4, NM_001308334.3, NM_001330538.2); short protein forms L779fs.
Identifiers: ClinVar variation 3754337 (VCV003754337.2).